The following is an entry in ClinVar:

ClinVar aggregate classification (germline): Pathogenic. Review status: criteria provided, multiple submitters, no conflicts (2 of 4 stars). 3 submissions from 3 submitters: Pathogenic (3). Last evaluated 2023-11-14.

Conditions:
Hereditary nonpolyposis colorectal neoplasms. Identifiers: MedGen C0009405, MeSH D003123.
Hereditary cancer-predisposing syndrome. Also called: Tumor predisposition; Hereditary neoplastic syndrome; Neoplastic Syndromes, Hereditary; Hereditary Cancer Syndrome. Identifiers: Orphanet 140162, MedGen C0027672, MeSH D009386, MONDO:0015356.
Lynch syndrome 5 (LYNCH5). Also called: Colorectal cancer, hereditary nonpolyposis, type 5; Hereditary non-polyposis colorectal cancer, type 5. Identifiers: Orphanet 144, MedGen C1833477, MONDO:0013710, OMIM 614350. Disease mechanism: loss of function.

Submissions (3):

Myriad Genetics, Inc.
Classification: Pathogenic for Lynch syndrome 5. Last evaluated: 2023-11-14. Review status: criteria provided, single submitter. Criteria: Myriad Autosomal Dominant, Autosomal Recessive and X-Linked Classification Criteria (2023). Collection method: clinical testing. Allele origin: unknown.
Comment: This variant is considered pathogenic. This variant creates a frameshift predicted to result in premature protein truncation.

Ambry Genetics
Classification: Pathogenic for Hereditary cancer-predisposing syndrome. Last evaluated: 2023-09-24. Review status: criteria provided, single submitter. Criteria: Ambry Variant Classification Scheme 2023. Collection method: clinical testing. Allele origin: germline.
Comment: The c.1990dupT pathogenic mutation, located in coding exon 4 of the MSH6 gene, results from a duplication of T at nucleotide position 1990, causing a translational frameshift with a predicted alternate stop codon (p.S664Ffs*4). This variant is considered to be rare based on population cohorts in the Genome Aggregation Database (gnomAD). This alteration is expected to result in loss of function by premature protein truncation or nonsense-mediated mRNA decay. As such, this alteration is interpreted as a disease-causing mutation.

Labcorp Genetics (formerly Invitae), Labcorp
Classification: Pathogenic for Hereditary nonpolyposis colorectal neoplasms. Last evaluated: 2023-03-30. Review status: criteria provided, single submitter. Criteria: Invitae Variant Classification Sherloc (09022015). Collection method: clinical testing. Allele origin: germline.
Comment: For these reasons, this variant has been classified as Pathogenic. This variant has not been reported in the literature in individuals affected with MSH6-related conditions. This variant is not present in population databases (gnomAD no frequency). This sequence change creates a premature translational stop signal (p.Ser664Phefs*4) in the MSH6 gene. It is expected to result in an absent or disrupted protein product. Loss-of-function variants in MSH6 are known to be pathogenic (PMID: 18269114, 24362816).

Literature cited by the submitters: PubMed 18269114 (cited by Labcorp Genetics (formerly Invitae), Labcorp); PubMed 24362816 (cited by Labcorp Genetics (formerly Invitae), Labcorp).

NM_000179.3(MSH6):c.1990dup (p.Ser664fs)

Gene: MSH6 (mutS homolog 6; plus strand). Cytogenetic location: 2p16.3.
Variant type: Duplication.
Coding change: c.1990dup on transcript NM_000179.3 (MANE Select); coding-DNA position 1990, one base duplicated (T; older notation c.1990dupT).
Protein change: p.Ser664fs; shifts the reading frame from serine 664.
Molecular consequence: frameshift variant. On other transcripts: non-coding transcript variant (5), intron variant (2).
Genome position (GRCh38, 1-based): chr2:47,799,973, T duplicated; the last of 2 consecutive T bases (chr2:47,799,972-47,799,973); duplicating either gives the same sequence. VCF-style (leftmost placement, unchanged base first): chr2-47799971-C-CT. GRCh37 (hg19) VCF-style: chr2-48027110-C-CT.
Other names: c.1990dupT (NM_000179.2); c.1600dup, p.Ser534fs (NM_001281492.2); c.1084dup, p.Ser362fs (NM_001281493.2, NM_001281494.2, NM_001406811.1 and 6 more transcripts); c.2086dup, p.Ser696fs (NM_001406795.1, NM_001406802.1); c.1990dup, p.Ser664fs (NM_001406796.1, NM_001406798.1, NM_001406800.1 and 3 more transcripts); c.1693dup, p.Ser565fs (NM_001406797.1, NM_001406801.1, NM_001406805.1 and 10 more transcripts); c.1465dup, p.Ser489fs (NM_001406799.1, NM_001406806.1, NM_001406807.1); c.1912dup, p.Ser638fs (NM_001406804.1); and 4 more; short protein forms S362fs, S489fs, S534fs, S565fs, S608fs, S638fs, S664fs, S666fs.
Identifiers: ClinVar variation 2674009 (VCV002674009.5), dbSNP rs2530643362, ClinGen allele CA2695200658.